The following is an entry in ClinVar:

NM_000051.4(ATM):c.6323A>C (p.Gln2108Pro)

Genes: ATM (ATM serine/threonine kinase; plus strand), C11orf65 (chromosome 11 open reading frame 65; minus strand). Cytogenetic location: 11q22.3.
Variant type: single nucleotide variant.
Coding change: c.6323A>C on transcript NM_000051.4 (MANE Select); coding-DNA position 6323, A replaced by C.
Protein change: p.Gln2108Pro; replaces glutamine 2108 with proline.
Molecular consequence: missense variant. On other transcripts: intron variant (2).
Genome position (GRCh38, 1-based): chr11:108,317,497, A>C. VCF-style: chr11-108317497-A-C. GRCh37 (hg19) VCF-style: chr11-108188224-A-C.
Other names: c.6323A>C, p.Gln2108Pro (NM_001351834.2); c.641-8426T>G (NM_001330368.2); c.*39-8426T>G (NM_001351110.2); short protein forms Q2108P.
Identifiers: ClinVar variation 646189 (VCV000646189.15), dbSNP rs773891864, ClinGen allele CA382552223.

ClinVar aggregate classification (germline): Uncertain significance. Review status: criteria provided, multiple submitters, no conflicts (2 of 4 stars). 3 submissions from 3 submitters: Uncertain significance (3). Last evaluated 2025-12-18.

Conditions:
Hereditary cancer-predisposing syndrome. Also called: Tumor predisposition; Hereditary neoplastic syndrome; Neoplastic Syndromes, Hereditary; Hereditary Cancer Syndrome. Identifiers: Orphanet 140162, MedGen C0027672, MeSH D009386, MONDO:0015356.
Ataxia-telangiectasia syndrome (AT). Also called: Ataxia-telangiectasia, complementation group D; AT, COMPLEMENTATION GROUP C; ATAXIA-TELANGIECTASIA, COMPLEMENTATION GROUP A; ATAXIA-TELANGIECTASIA, FRESNO VARIANT; Ataxia-telangiectasia; LOUIS-BAR SYNDROME. Identifiers: Orphanet 100, MedGen C0004135, MONDO:0008840, OMIM 208900.

Submissions (3):

Ambry Genetics
Classification: Uncertain significance for Hereditary cancer-predisposing syndrome. Last evaluated: 2025-12-18. Review status: criteria provided, single submitter. Criteria: Ambry Variant Classification Scheme 2023. Collection method: clinical testing. Allele origin: germline.
Comment: The p.Q2108P variant (also known as c.6323A>C), located in coding exon 42 of the ATM gene, results from an A to C substitution at nucleotide position 6323. The glutamine at codon 2108 is replaced by proline, an amino acid with similar properties. This amino acid position is highly conserved in available vertebrate species. In addition, this alteration is predicted to be deleterious by in silico analysis. Since supporting evidence is limited at this time, the clinical significance of this alteration remains unclear.

Labcorp Genetics (formerly Invitae), Labcorp
Classification: Uncertain significance for Ataxia-telangiectasia syndrome. Last evaluated: 2025-08-16. Review status: criteria provided, single submitter. Criteria: Invitae Variant Classification Sherloc (09022015). Collection method: clinical testing. Allele origin: germline.
Comment: This sequence change replaces glutamine, which is neutral and polar, with proline, which is neutral and non-polar, at codon 2108 of the ATM protein (p.Gln2108Pro). This variant is not present in population databases (gnomAD no frequency). This variant has not been reported in the literature in individuals affected with ATM-related conditions. ClinVar contains an entry for this variant (Variation ID: 646189). Invitae Evidence Modeling of protein sequence and biophysical properties (such as structural, functional, and spatial information, amino acid conservation, physicochemical variation, residue mobility, and thermodynamic stability) has been performed for this missense variant. However, the output from this modeling did not meet the statistical confidence thresholds required to predict the impact of this variant on ATM protein function. In summary, the available evidence is currently insufficient to determine the role of this variant in disease. Therefore, it has been classified as a Variant of Uncertain Significance.

Color Diagnostics, LLC DBA Color Health
Classification: Uncertain significance for Hereditary cancer-predisposing syndrome. Last evaluated: 2019-12-05. Review status: criteria provided, single submitter. Criteria: ACMG Guidelines, 2015. Collection method: clinical testing. Allele origin: germline.
Comment: This missense variant replaces glutamine with proline at codon 2108 of the ATM protein. Computational prediction suggests that this variant may have deleterious impact on protein structure and function (internally defined REVEL score threshold >= 0.7, PMID: 27666373). Splice site prediction tools suggest that this variant may not impact RNA splicing. To our knowledge, functional studies have not been performed for this variant. This variant has not been reported in individuals affected with hereditary cancer in the literature. This variant has not been identified in the general population by the Genome Aggregation Database (gnomAD). The available evidence is insufficient to determine the role of this variant in disease conclusively. Therefore, this variant is classified as a Variant of Uncertain Significance.